The following is an entry in ClinVar:

ClinVar aggregate classification (germline): Uncertain significance. Review status: criteria provided, multiple submitters, no conflicts (2 of 4 stars). 2 submissions from 2 submitters: Uncertain significance (2). Last evaluated 2024-02-12.

Submissions (2):

Blueprint Genetics
Classification: Uncertain significance. Last evaluated: 2024-02-12. Review status: criteria provided, single submitter. Criteria: ACMG Guidelines, 2015. Collection method: clinical testing. Allele origin: germline.

Labcorp Genetics (formerly Invitae), Labcorp
Classification: Uncertain significance. Last evaluated: 2023-10-05. Review status: criteria provided, single submitter. Criteria: Invitae Variant Classification Sherloc (09022015). Collection method: clinical testing. Allele origin: germline.
Comment: This sequence change replaces alanine, which is neutral and non-polar, with proline, which is neutral and non-polar, at codon 227 of the UMOD protein (p.Ala227Pro). This variant is not present in population databases (gnomAD no frequency). This variant has not been reported in the literature in individuals affected with UMOD-related conditions. Advanced modeling of protein sequence and biophysical properties (such as structural, functional, and spatial information, amino acid conservation, physicochemical variation, residue mobility, and thermodynamic stability) has been performed at Invitae for this missense variant, however the output from this modeling did not meet the statistical confidence thresholds required to predict the impact of this variant on UMOD protein function. In summary, the available evidence is currently insufficient to determine the role of this variant in disease. Therefore, it has been classified as a Variant of Uncertain Significance.

NM_003361.4(UMOD):c.679G>C (p.Ala227Pro)

Gene: UMOD (uromodulin; minus strand). Cytogenetic location: 16p12.3.
Variant type: single nucleotide variant.
Coding change: c.679G>C on transcript NM_003361.4 (MANE Select); coding-DNA position 679, G replaced by C.
Protein change: p.Ala227Pro; replaces alanine 227 with proline.
Molecular consequence: missense variant. On other transcripts: non-coding transcript variant (1).
Genome position (GRCh38, 1-based): chr16:20,348,622, C>G on the plus strand (G>C on the coding strand, the complement: UMOD is on the minus strand). VCF-style: chr16-20348622-C-G. GRCh37 (hg19) VCF-style: chr16-20359944-C-G.
Other names: c.679G>C, p.Ala227Pro (NM_001008389.3, NM_001378232.1, NM_001378233.1 and 3 more transcripts); c.778G>C, p.Ala260Pro (NM_001278614.2); short protein forms A260P, A227P.
Identifiers: ClinVar variation 2765865 (VCV002765865.4), dbSNP rs2507387029, ClinGen allele CA394985125.